The following is an entry in ClinVar:

NM_144666.3(DNHD1):c.11370_11371insCTAG (p.Val3791fs)

Gene: DNHD1 (dynein heavy chain domain 1; plus strand). Cytogenetic location: 11p15.4.
Variant type: Insertion.
Coding change: c.11370_11371insCTAG on transcript NM_144666.3 (MANE Select); coding-DNA positions 11370 to 11371, CTAG inserted.
Protein change: p.Val3791fs; shifts the reading frame from valine 3791.
Molecular consequence: frameshift variant.
Genome position: GRCh38 VCF-style: chr11-6566750-T-TCTAG. GRCh37 (hg19) VCF-style: chr11-6587980-T-TCTAG.
Other names: short protein forms V3791fs.
Identifiers: ClinVar variation 2158564 (VCV002158564.1), dbSNP rs2494071871, ClinGen allele CA2580083961.

ClinVar aggregate classification (germline): Pathogenic (1 of 4 stars; one submission).

Submission:

Labcorp Genetics (formerly Invitae), Labcorp
Classification: Pathogenic. Last evaluated: 2022-06-28. Review status: criteria provided, single submitter. Criteria: Invitae Variant Classification Sherloc (09022015). Collection method: clinical testing. Allele origin: germline.
Comment: This sequence change creates a premature translational stop signal (p.Val3791Leufs*6) in the DNHD1 gene. It is expected to result in an absent or disrupted protein product. Loss-of-function variants in DNHD1 are known to be pathogenic (PMID: 34932939). This variant is not present in population databases (gnomAD no frequency). This variant has not been reported in the literature in individuals affected with DNHD1-related conditions. Algorithms developed to predict the effect of sequence changes on RNA splicing suggest that this variant may disrupt the consensus splice site. For these reasons, this variant has been classified as Pathogenic.

Literature cited by the submitters: PubMed 34932939.